The following is an entry in ClinVar:

ClinVar aggregate classification (germline): Conflicting classifications of pathogenicity. Review status: criteria provided, conflicting classifications (1 of 4 stars). 3 submissions from 3 submitters: Uncertain significance (1); Likely benign (1). 1 of the submissions does not count toward it. Last evaluated 2026-01-20.

Conditions:
SDCCAG8-related disorder. Also called: SDCCAG8-related condition; SDCCAG8-Related Disorders.
Senior-Loken syndrome 7 (SLSN7). Identifiers: Orphanet 3156, MedGen C3150877, MONDO:0013326, OMIM 613615.
Bardet-Biedl syndrome 16 (BBS16). Identifiers: Orphanet 110, MedGen C3889474, MONDO:0014444, OMIM 615993.

Allele frequency attached by ClinVar (database versions not stated): gnomAD 0.00004; gnomAD exomes 0.00005 and 0.00008; TOPMed 0.00008; ExAC 0.00012; ESP Exome Variant Server 0.00015.
gnomAD v4.1: 76 of 1,424,154 alleles (0.0053%); highest among the groups gnomAD compares: Middle Eastern, 0.021%; no homozygotes.

Submissions (4):

Labcorp Genetics (formerly Invitae), Labcorp
Classification: Likely benign for Bardet-Biedl syndrome 16; Senior-Loken syndrome 7. Last evaluated: 2026-01-20. Review status: criteria provided, single submitter. Criteria: Invitae Variant Classification Sherloc (09022015). Collection method: clinical testing. Allele origin: germline.

Blueprint Genetics
Classification: Uncertain significance. Last evaluated: 2024-09-10. Review status: criteria provided, single submitter. Criteria: ACMG Guidelines, 2015. Collection method: clinical testing. Allele origin: germline.

PreventionGenetics, part of Exact Sciences
Classification: Likely benign for SDCCAG8-related condition. Last evaluated: 2019-07-30. Review status: no assertion criteria provided. Collection method: clinical testing. Allele origin: germline. Not counted in ClinVar's aggregate classification.
Comment: This variant is classified as likely benign based on ACMG/AMP sequence variant interpretation guidelines (Richards et al. 2015 PMID: 25741868, with internal and published modifications).

Dr. Peter K. Rogan Lab, Western University
No classification provided (evidence only). Condition: Familial cancer of breast. Review status: no classification provided. Collection method: in vitro. Allele origin: not applicable. Functional consequence: skipped exon. Not counted in ClinVar's aggregate classification.

NM_006642.5(SDCCAG8):c.307-10T>A

Gene: SDCCAG8 (SHH signaling and ciliogenesis regulator SDCCAG8; plus strand). Cytogenetic location: 1q43.
Variant type: single nucleotide variant.
Coding change: c.307-10T>A on transcript NM_006642.5 (MANE Select); 10 bases into the intron before coding-DNA position 307, T replaced by A.
Molecular consequence: intron variant.
Genome position (GRCh38, 1-based): chr1:243,274,533, T>A. VCF-style: chr1-243274533-T-A. GRCh37 (hg19) VCF-style: chr1-243437835-T-A.
Other names: c.13-10T>A (NM_001350249.2); c.-1067-10T>A (NM_001350251.2); c.307-10T>A (NM_001350248.2); c.-806-10T>A (NM_001350246.2); c.-694-10T>A (NM_001350247.2).
Identifiers: ClinVar variation 704420 (VCV000704420.14), dbSNP rs371148493, ClinGen allele CA1483278.